The following is an entry in ClinVar:

NM_000925.4(PDHB):c.25C>A (p.Arg9=)

Genes: PDHB (pyruvate dehydrogenase E1 subunit beta; minus strand), LOC129936949 (ATAC-STARR-seq lymphoblastoid active region 20012; plus strand). Cytogenetic location: 3p14.3.
Variant type: single nucleotide variant.
Coding change: c.25C>A on transcript NM_000925.4 (MANE Select); coding-DNA position 25, C replaced by A.
Protein change: p.Arg9=; no amino-acid change (arginine 9 retained).
Molecular consequence: synonymous variant. On other transcripts: non-coding transcript variant (1).
Genome position (GRCh38, 1-based): chr3:58,433,785, G>T on the plus strand (C>A on the coding strand, the complement: PDHB is on the minus strand). VCF-style: chr3-58433785-G-T. GRCh37 (hg19) VCF-style: chr3-58419512-G-T.
Other names: c.25C>A, p.Arg9= (NM_001173468.2, NM_001315536.2).
Identifiers: ClinVar variation 989800 (VCV000989800.6), dbSNP rs747302644, ClinGen allele CA2471704.
Genomic context (GRCh38, chr3:58,433,785, plus strand): 5'-GGCAGGGGTCGCGTGGGAATACAGGCCGCGCGCTGCTGCCTACCTCCCGAAGGGGTCTCC[G>T]CACCAAGCCAGACACCGCCGCCATCTTGGTCGTGTCCTCTATCCGCTGCCAAACGACAAC-3'
Protein context (NP_000916.2, residues 1-19): MAAVSGLV[Arg9=]RPLREVSGLL

ClinVar aggregate classification (germline): Uncertain significance. Review status: criteria provided, single submitter (1 of 4 stars). 2 submissions from 2 submitters: Uncertain significance (1). 1 of the submissions does not count toward it. Last evaluated 2021-08-31.

Conditions:
Pyruvate dehydrogenase complex deficiency (PDHC). Also called: PYRUVATE DECARBOXYLASE DEFICIENCY; Pyruvate Dehydrogenase Complex Deficiency Disease; Pyruvate dehydrogenase deficiency; Ataxia with lactic acidosis 1; PDH DEFICIENCY. Identifiers: Orphanet 765, Orphanet 79243, MedGen C0034345, MONDO:0019169.
Pyruvate dehydrogenase E1-beta deficiency (PDHBD). Identifiers: Orphanet 255138, Orphanet 765, MedGen C3279841, MONDO:0013580, OMIM 614111.

Allele frequency attached by ClinVar (database versions not stated): TOPMed below 0.00001.

Submissions (2):

Labcorp Genetics (formerly Invitae), Labcorp
Classification: Uncertain significance for Pyruvate dehydrogenase E1-beta deficiency. Last evaluated: 2021-08-31. Review status: criteria provided, single submitter. Criteria: Invitae Variant Classification Sherloc (09022015). Collection method: clinical testing. Allele origin: germline.
Comment: This sequence change affects codon 9 of the PDHB mRNA. It is a 'silent' change, meaning that it does not change the encoded amino acid sequence of the PDHB protein. This variant is present in population databases (rs747302644, ExAC 0.01%). This variant has not been reported in the literature in individuals affected with PDHB-related conditions. ClinVar contains an entry for this variant (Variation ID: 989800). Algorithms developed to predict the effect of sequence changes on RNA splicing suggest that this variant may create or strengthen a splice site. In summary, the available evidence is currently insufficient to determine the role of this variant in disease. Therefore, it has been classified as a Variant of Uncertain Significance.

Natera, Inc.
Classification: Uncertain significance for Pyruvate decarboxylase deficiency. Last evaluated: 2020-08-14. Review status: no assertion criteria provided. Collection method: clinical testing. Allele origin: germline. Not counted in ClinVar's aggregate classification.